The following is an entry in ClinVar:

ClinVar aggregate classification (germline): Conflicting classifications of pathogenicity. Review status: criteria provided, conflicting classifications (1 of 4 stars). 2 submissions from 2 submitters: Uncertain significance (1); Likely benign (1). Last evaluated 2025-11-05.

Conditions:
Inborn genetic diseases. Identifiers: MedGen C0950123, MeSH D030342.

Allele frequency attached by ClinVar (database versions not stated): gnomAD 0.00002; TOPMed 0.00002.

Submissions (2):

Ambry Genetics
Classification: Likely benign for Inborn genetic diseases. Last evaluated: 2025-11-05. Review status: criteria provided, single submitter. Criteria: Ambry Variant Classification Scheme 2023. Collection method: clinical testing. Allele origin: germline.

Labcorp Genetics (formerly Invitae), Labcorp
Classification: Uncertain significance. Last evaluated: 2022-02-20. Review status: criteria provided, single submitter. Criteria: Invitae Variant Classification Sherloc (09022015). Collection method: clinical testing. Allele origin: germline.
Comment: In summary, the available evidence is currently insufficient to determine the role of this variant in disease. Therefore, it has been classified as a Variant of Uncertain Significance. Algorithms developed to predict the effect of missense changes on protein structure and function (SIFT, PolyPhen-2, Align-GVGD) all suggest that this variant is likely to be tolerated. This variant has not been reported in the literature in individuals affected with FOXP1-related conditions. This variant is present in population databases (no rsID available, gnomAD 0.002%). This sequence change replaces glycine, which is neutral and non-polar, with alanine, which is neutral and non-polar, at codon 35 of the FOXP1 protein (p.Gly35Ala).

NM_001349338.3(FOXP1):c.104G>C (p.Gly35Ala)

Gene: FOXP1 (forkhead box P1; minus strand). Cytogenetic location: 3p13.
Variant type: single nucleotide variant.
Coding change: c.104G>C on transcript NM_001349338.3 (MANE Select); coding-DNA position 104, G replaced by C.
Protein change: p.Gly35Ala; replaces glycine 35 with alanine.
Molecular consequence: missense variant. On other transcripts: non-coding transcript variant (2).
Genome position (GRCh38, 1-based): chr3:71,198,278, C>G on the plus strand (G>C on the coding strand, the complement: FOXP1 is on the minus strand). VCF-style: chr3-71198278-C-G. GRCh37 (hg19) VCF-style: chr3-71247429-C-G.
Other names: c.104G>C, p.Gly35Ala (NM_001012505.2, NM_001244808.3, NM_001244810.2 and 7 more transcripts); c.104G>C (NM_032682.5); short protein forms G35A.
Identifiers: ClinVar variation 2119082 (VCV002119082.5), dbSNP rs969304991, ClinGen allele CA77135953.
Genomic context (GRCh38, chr3:71,198,278, plus strand): 5'-TGGGCGTGGGCGAGGTCAGCTGCCCCGATGTCCACGGCCGGCGTCTCTCCGTTGGACCGC[C>G]CCTCCCGAAGACCGCCGCACTCTAGTAAGTGGTTGCTGCCGCCCGACCCATTCTGGATGG-3'
Protein context (NP_001336267.1, residues 25-45): HLLECGGLRE[Gly35Ala]RSNGETPAVD